The following is an entry in ClinVar:

NM_173495.3(PTCHD1):c.2593C>A (p.Arg865=)

Gene: PTCHD1 (patched domain containing 1; plus strand). Cytogenetic location: Xp22.11.
Variant type: single nucleotide variant.
Coding change: c.2593C>A on transcript NM_173495.3 (MANE Select); coding-DNA position 2593, C replaced by A.
Protein change: p.Arg865=; no amino-acid change (arginine 865 retained).
Molecular consequence: synonymous variant.
Genome position (GRCh38, 1-based): chrX:23,394,111, C>A. VCF-style: chrX-23394111-C-A. GRCh37 (hg19) VCF-style: chrX-23412228-C-A.
Identifiers: ClinVar variation 3256963 (VCV003256963.17).

ClinVar aggregate classification (germline): Likely benign (1 of 4 stars; one submission).

gnomAD v4.1: 6 of 1,209,570 alleles (0.0005%); highest among the groups gnomAD compares: Non-Finnish European, 0.00067%; no homozygotes.

Submission:

CeGaT Center for Human Genetics Tuebingen
Classification: Likely benign. Last evaluated: 2024-07-01. Review status: criteria provided, single submitter. Criteria: CeGaT Center For Human Genetics Tuebingen Variant Classification Criteria Version 2. Collection method: clinical testing. Allele origin: germline. Affected: yes. Observed: 1 variant allele.
Comment: PTCHD1: BP4, BP7